The following is an entry in ClinVar:

NM_001005242.3(PKP2):c.848A>T (p.Asn283Ile)

Gene: PKP2 (plakophilin 2; minus strand). Cytogenetic location: 12p11.21.
Variant type: single nucleotide variant.
Coding change: c.848A>T on transcript NM_001005242.3 (MANE Select); coding-DNA position 848, A replaced by T.
Protein change: p.Asn283Ile; replaces asparagine 283 with isoleucine.
Molecular consequence: missense variant.
Genome position (GRCh38, 1-based): chr12:32,878,032, T>A on the plus strand (A>T on the coding strand, the complement: PKP2 is on the minus strand). VCF-style: chr12-32878032-T-A. GRCh37 (hg19) VCF-style: chr12-33030966-T-A.
Other names: c.848A>T, p.Asn283Ile (NM_004572.4); short protein forms N283I.
Identifiers: ClinVar variation 1171338 (VCV001171338.3), dbSNP rs2137947371, ClinGen allele CA384362175.

ClinVar aggregate classification (germline): Uncertain significance (1 of 4 stars; one submission).

Conditions:
Cardiomyopathy (CMYO). Also called: Cardiomyopathies. Identifiers: Orphanet 167848, MedGen C0878544, MONDO:0004994, HP:0001638. Inheritance: Various modes of inheritance.

Submission:

Color Diagnostics, LLC DBA Color Health
Classification: Uncertain significance for Cardiomyopathy. Last evaluated: 2024-03-06. Review status: criteria provided, single submitter. Criteria: ACMG Guidelines, 2015. Collection method: clinical testing. Allele origin: germline.
Comment: This missense variant replaces asparagine with isoleucine at codon 283 of the PKP2 protein. Computational prediction suggests that this variant may not impact protein structure and function (internally defined REVEL score threshold <= 0.5, PMID: 27666373). To our knowledge, functional studies have not been reported for this variant. This variant has not been reported in individuals affected with cardiovascular disorders in the literature. This variant has not been identified in the general population by the Genome Aggregation Database (gnomAD). The available evidence is insufficient to determine the role of this variant in disease conclusively. Therefore, this variant is classified as a Variant of Uncertain Significance.